The following is an entry in ClinVar:

ClinVar aggregate classification (germline): Uncertain significance. Review status: criteria provided, multiple submitters, no conflicts (2 of 4 stars). 2 submissions from 2 submitters: Uncertain significance (2). Last evaluated 2025-01-07.

Allele frequency attached by ClinVar (database versions not stated): gnomAD exomes below 0.00001.
gnomAD v4.1: 1 of 1,614,128 alleles (0.000062%); highest among the groups gnomAD compares: Non-Finnish European, 0.000085%; no homozygotes.

Submissions (2):

Labcorp Genetics (formerly Invitae), Labcorp
Classification: Uncertain significance. Last evaluated: 2025-01-07. Review status: criteria provided, single submitter. Criteria: Invitae Variant Classification Sherloc (09022015). Collection method: clinical testing. Allele origin: germline.
Comment: This sequence change replaces alanine, which is neutral and non-polar, with serine, which is neutral and polar, at codon 304 of the COL2A1 protein (p.Ala304Ser). This variant is not present in population databases (gnomAD no frequency). This variant has not been reported in the literature in individuals affected with COL2A1-related conditions. ClinVar contains an entry for this variant (Variation ID: 1187002). Invitae Evidence Modeling of protein sequence and biophysical properties (such as structural, functional, and spatial information, amino acid conservation, physicochemical variation, residue mobility, and thermodynamic stability) indicates that this missense variant is not expected to disrupt COL2A1 protein function with a negative predictive value of 95%. In summary, the available evidence is currently insufficient to determine the role of this variant in disease. Therefore, it has been classified as a Variant of Uncertain Significance.

GeneDx
Classification: Uncertain significance. Last evaluated: 2020-07-16. Review status: criteria provided, single submitter. Criteria: GeneDx Variant Classification Process June 2021. Collection method: clinical testing. Allele origin: germline. Affected: yes.
Comment: Not observed in large population cohorts (Lek et al., 2016); In silico analysis supports that this missense variant does not alter protein structure/function; Has not been previously published as pathogenic or benign to our knowledge

NM_001844.5(COL2A1):c.910G>T (p.Ala304Ser)

Gene: COL2A1 (collagen type II alpha 1 chain; minus strand). Cytogenetic location: 12q13.11.
Variant type: single nucleotide variant.
Coding change: c.910G>T on transcript NM_001844.5 (MANE Select); coding-DNA position 910, G replaced by T.
Protein change: p.Ala304Ser; replaces alanine 304 with serine.
Molecular consequence: missense variant.
Genome position (GRCh38, 1-based): chr12:47,993,823, C>A on the plus strand (G>T on the coding strand, the complement: COL2A1 is on the minus strand). VCF-style: chr12-47993823-C-A. GRCh37 (hg19) VCF-style: chr12-48387606-C-A.
Other names: c.703G>T, p.Ala235Ser (NM_033150.3); short protein forms A235S, A304S.
Identifiers: ClinVar variation 1187002 (VCV001187002.4), dbSNP rs984944183, ClinGen allele CA236490671.